The following is an entry in ClinVar:

ClinVar aggregate classification (germline): Uncertain significance (1 of 4 stars; one submission).

Allele frequency attached by ClinVar (database versions not stated): gnomAD 0.00001; TOPMed 0.00008; ExAC 0.00021.
gnomAD v4.1: 31 of 1,567,244 alleles (0.002%); highest among the groups gnomAD compares: Admixed American, 0.054%; 1 homozygote.

Submission:

Labcorp Genetics (formerly Invitae), Labcorp
Classification: Uncertain significance. Last evaluated: 2022-08-23. Review status: criteria provided, single submitter. Criteria: Invitae Variant Classification Sherloc (09022015). Collection method: clinical testing. Allele origin: germline.
Comment: This sequence change replaces arginine, which is basic and polar, with histidine, which is basic and polar, at codon 119 of the COQ2 protein (p.Arg119His). The frequency data for this variant in the population databases is considered unreliable, as metrics indicate poor data quality at this position in the gnomAD database. This variant has not been reported in the literature in individuals affected with COQ2-related conditions. Algorithms developed to predict the effect of missense changes on protein structure and function (SIFT, PolyPhen-2, Align-GVGD) all suggest that this variant is likely to be tolerated. Experimental studies have shown that this missense change affects COQ2 function (PMID: 23758206). In summary, the available evidence is currently insufficient to determine the role of this variant in disease. Therefore, it has been classified as a Variant of Uncertain Significance.

Literature cited by the submitters: PubMed 23758206.

NM_001358921.2(COQ2):c.206G>A (p.Arg69His)

Genes: COQ2 (coenzyme Q2, polyprenyltransferase; minus strand), LOC112997540 (Sharpr-MPRA regulatory region 13773; plus strand). Cytogenetic location: 4q21.23.
Variant type: single nucleotide variant.
Coding change: c.206G>A on transcript NM_001358921.2 (MANE Select); coding-DNA position 206, G replaced by A.
Protein change: p.Arg69His; replaces arginine 69 with histidine.
Molecular consequence: missense variant.
Genome position (GRCh38, 1-based): chr4:83,284,559, C>T on the plus strand (G>A on the coding strand, the complement: COQ2 is on the minus strand). VCF-style: chr4-83284559-C-T. GRCh37 (hg19) VCF-style: chr4-84205712-C-T.
Other names: c.356G>A, p.Arg119His (NM_015697.9); short protein forms R119H, R69H.
Identifiers: ClinVar variation 2181563 (VCV002181563.1), dbSNP rs762399579, ClinGen allele CA2988660.